The following is an entry in ClinVar:

ClinVar aggregate classification (germline): Uncertain significance (1 of 4 stars; one submission).

Conditions:
TTC21B-related disorder. Also called: TTC21B-related condition; TTC21B-related disorders.

gnomAD v4.1: 2 of 1,612,336 alleles (0.00012%); highest among the groups gnomAD compares: Non-Finnish European, 0.000085%; no homozygotes.

Submission:

PreventionGenetics, part of Exact Sciences
Classification: Uncertain significance for TTC21B-related condition. Last evaluated: 2025-12-03. Review status: criteria provided, single submitter. Criteria: ACMG Guidelines, 2015. Collection method: clinical testing. Allele origin: germline.
Comment: The TTC21B c.2147C>G variant is predicted to result in the amino acid substitution p.Ala716Gly. To our knowledge, this variant has not been reported in the literature or in a large population database (gnomAD), indicating this variant is rare. At this time, the clinical significance of this variant is uncertain due to the absence of conclusive functional and genetic evidence.

NM_024753.5(TTC21B):c.2147C>G (p.Ala716Gly)

Gene: TTC21B (tetratricopeptide repeat domain 21B; minus strand). Cytogenetic location: 2q24.3.
Variant type: single nucleotide variant.
Coding change: c.2147C>G on transcript NM_024753.5 (MANE Select); coding-DNA position 2147, C replaced by G.
Protein change: p.Ala716Gly; replaces alanine 716 with glycine.
Molecular consequence: missense variant.
Genome position (GRCh38, 1-based): chr2:165,913,638, G>C on the plus strand (C>G on the coding strand, the complement: TTC21B is on the minus strand). VCF-style: chr2-165913638-G-C. GRCh37 (hg19) VCF-style: chr2-166770148-G-C.
Other names: short protein forms A716G.
Identifiers: ClinVar variation 4993980 (VCV004993980.1).